The following is an entry in ClinVar:

ClinVar aggregate classification (germline): Uncertain significance. Review status: criteria provided, multiple submitters, no conflicts (2 of 4 stars). 2 submissions from 2 submitters: Uncertain significance (2). Last evaluated 2024-11-16.

Conditions:
Ataxia-telangiectasia syndrome (AT). Also called: Ataxia telangiectasia (A-T); LOUIS-BAR SYNDROME; Cerebello-oculocutaneous telangiectasia; Immunodeficiency with ataxia telangiectasia; Ataxia-telangiectasia, complementation group D; AT, COMPLEMENTATION GROUP C. Identifiers: Orphanet 100, MedGen C0004135, MONDO:0008840, OMIM 208900.
Hereditary cancer-predisposing syndrome. Also called: Hereditary neoplastic syndrome; Neoplastic Syndromes, Hereditary; Tumor predisposition; Hereditary Cancer Syndrome. Identifiers: Orphanet 140162, MedGen C0027672, MeSH D009386, MONDO:0015356.

Submissions (2):

Ambry Genetics
Classification: Uncertain significance for Hereditary cancer-predisposing syndrome. Last evaluated: 2024-11-16. Review status: criteria provided, single submitter. Criteria: Ambry Variant Classification Scheme 2023. Collection method: clinical testing. Allele origin: germline.
Comment: The p.I389L variant (also known as c.1165A>C), located in coding exon 8 of the ATM gene, results from an A to C substitution at nucleotide position 1165. The isoleucine at codon 389 is replaced by leucine, an amino acid with highly similar properties. This amino acid position is conserved. In addition, this alteration is predicted to be tolerated by in silico analysis. Based on the available evidence, the clinical significance of this variant remains unclear.

Labcorp Genetics (formerly Invitae), Labcorp
Classification: Uncertain significance for Ataxia-telangiectasia syndrome. Last evaluated: 2021-09-02. Review status: criteria provided, single submitter. Criteria: Invitae Variant Classification Sherloc (09022015). Collection method: clinical testing. Allele origin: germline.
Comment: This sequence change replaces isoleucine with leucine at codon 389 of the ATM protein (p.Ile389Leu). The isoleucine residue is moderately conserved and there is a small physicochemical difference between isoleucine and leucine. This variant is not present in population databases (ExAC no frequency). This variant has not been reported in the literature in individuals affected with ATM-related conditions. Algorithms developed to predict the effect of missense changes on protein structure and function (SIFT, PolyPhen-2, Align-GVGD) all suggest that this variant is likely to be tolerated. In summary, the available evidence is currently insufficient to determine the role of this variant in disease. Therefore, it has been classified as a Variant of Uncertain Significance.

NM_000051.4(ATM):c.1165A>C (p.Ile389Leu)

Gene: ATM (ATM serine/threonine kinase; plus strand). Cytogenetic location: 11q22.3.
Variant type: single nucleotide variant.
Coding change: c.1165A>C on transcript NM_000051.4 (MANE Select); coding-DNA position 1165, A replaced by C.
Protein change: p.Ile389Leu; replaces isoleucine 389 with leucine.
Molecular consequence: missense variant.
Genome position (GRCh38, 1-based): chr11:108,249,032, A>C. VCF-style: chr11-108249032-A-C. GRCh37 (hg19) VCF-style: chr11-108119759-A-C.
Other names: c.1165A>C, p.Ile389Leu (NM_001351834.2); short protein forms I389L.
Identifiers: ClinVar variation 407725 (VCV000407725.7), dbSNP rs1060501704, ClinGen allele CA16613263.